The following is an entry in ClinVar:

NM_058216.3(RAD51C):c.249G>A (p.Lys83=)

Gene: RAD51C (RAD51 paralog C; plus strand). Cytogenetic location: 17q22.
Variant type: single nucleotide variant.
Coding change: c.249G>A on transcript NM_058216.3 (MANE Select); coding-DNA position 249, G replaced by A.
Protein change: p.Lys83=; no amino-acid change (lysine 83 retained).
Molecular consequence: synonymous variant. On other transcripts: non-coding transcript variant (2).
Genome position (GRCh38, 1-based): chr17:58,695,034, G>A. VCF-style: chr17-58695034-G-A. GRCh37 (hg19) VCF-style: chr17-56772395-G-A.
Other names: c.249G>A, p.Lys83= (NM_002876.4).
Identifiers: ClinVar variation 1535871 (VCV001535871.11), dbSNP rs145387081, ClinGen allele CA501074611.
Genomic context (GRCh38, chr17:58,695,034, plus strand): 5'-TATCAGAAGAGAATGTCTCACAAATAAACCAAGATATGCTGGTACATCTGAGTCACACAA[G>A]AAGTGTACAGCACTGGAACTTCTTGAGCAGGAGCATACCCAGGGCTTCATAATCACCTTC-3'
Protein context (NP_478123.1, residues 73-93): PRYAGTSESH[Lys83=]KCTALELLEQ

ClinVar aggregate classification (germline): Benign/Likely benign. Review status: criteria provided, multiple submitters, no conflicts (2 of 4 stars). 3 submissions from 3 submitters: Benign (1); Likely benign (2). Last evaluated 2025-10-21.

Conditions:
Hereditary cancer-predisposing syndrome. Also called: Tumor predisposition; Hereditary Cancer Syndrome; Hereditary neoplastic syndrome; Neoplastic Syndromes, Hereditary. Identifiers: Orphanet 140162, MedGen C0027672, MeSH D009386, MONDO:0015356.
Fanconi anemia complementation group O. Also called: RAD51C-Related Fanconi Anemia. Identifiers: Orphanet 84, MedGen C3150653, MONDO:0013248, OMIM 613390.
Breast-ovarian cancer, familial, susceptibility to, 3. Also called: RAD51C-Related Breast/Ovarian Cancer. Identifiers: Orphanet 145, MedGen C3150659, MONDO:0013253, OMIM 613399.

gnomAD v4.1: 1 of 1,614,064 alleles (0.000062%); highest among the groups gnomAD compares: Non-Finnish European, 0.000085%; no homozygotes.

Submissions (3):

Labcorp Genetics (formerly Invitae), Labcorp
Classification: Likely benign for Fanconi anemia complementation group O. Last evaluated: 2025-10-21. Review status: criteria provided, single submitter. Criteria: Invitae Variant Classification Sherloc (09022015). Collection method: clinical testing. Allele origin: germline.

Myriad Genetics, Inc.
Classification: Benign for Breast-ovarian cancer, familial, susceptibility to, 3. Last evaluated: 2025-02-14. Review status: criteria provided, single submitter. Criteria: Myriad Autosomal Dominant, Autosomal Recessive and X-Linked Classification Criteria (2023). Collection method: clinical testing. Allele origin: unknown.
Comment: This variant is considered benign. This variant is a silent/synonymous amino acid change and it is not expected to impact splicing.

Ambry Genetics
Classification: Likely benign for Hereditary cancer-predisposing syndrome. Last evaluated: 2022-03-03. Review status: criteria provided, single submitter. Criteria: Ambry Variant Classification Scheme 2023. Collection method: clinical testing. Allele origin: germline.